The following is an entry in ClinVar:

NM_032043.3(BRIP1):c.1448C>G (p.Thr483Ser)

Gene: BRIP1 (BRCA1 interacting DNA helicase 1; minus strand). Cytogenetic location: 17q23.2.
Variant type: single nucleotide variant.
Coding change: c.1448C>G on transcript NM_032043.3 (MANE Select); coding-DNA position 1448, C replaced by G.
Protein change: p.Thr483Ser; replaces threonine 483 with serine.
Molecular consequence: missense variant.
Genome position (GRCh38, 1-based): chr17:61,793,622, G>C on the plus strand (C>G on the coding strand, the complement: BRIP1 is on the minus strand). VCF-style: chr17-61793622-G-C. GRCh37 (hg19) VCF-style: chr17-59870983-G-C.
Other names: short protein forms T483S.
Identifiers: ClinVar variation 918564 (VCV000918564.15), dbSNP rs1555605874, ClinGen allele CA400482082.

ClinVar aggregate classification (germline): Uncertain significance. Review status: criteria provided, multiple submitters, no conflicts (2 of 4 stars). 3 submissions from 3 submitters: Uncertain significance (3). Last evaluated 2024-04-09.

Conditions:
Familial cancer of breast. Also called: hereditary breast carcinoma; BREAST CANCER, FAMILIAL; Hereditary breast cancer. Identifiers: Orphanet 227535, MedGen C0346153, MONDO:0016419, OMIM 114480. Disease mechanism: loss of function.
Fanconi anemia complementation group J. Also called: BRIP1-Related Fanconi Anemia. Identifiers: Orphanet 84, MedGen C1836860, MONDO:0012187, OMIM 609054.
Hereditary cancer-predisposing syndrome. Also called: Hereditary Cancer Syndrome; Hereditary neoplastic syndrome; Neoplastic Syndromes, Hereditary; Tumor predisposition. Identifiers: Orphanet 140162, MedGen C0027672, MeSH D009386, MONDO:0015356.

Allele frequency attached by ClinVar (database versions not stated): gnomAD exomes below 0.00001.
gnomAD v4.1: 1 of 1,607,562 alleles (0.000062%); highest among the groups gnomAD compares: Non-Finnish European, 0.000085%; no homozygotes.

Submissions (3):

Ambry Genetics
Classification: Uncertain significance for Hereditary cancer-predisposing syndrome. Last evaluated: 2024-04-09. Review status: criteria provided, single submitter. Criteria: Ambry Variant Classification Scheme 2023. Collection method: clinical testing. Allele origin: germline.
Comment: The p.T483S variant (also known as c.1448C>G), located in coding exon 9 of the BRIP1 gene, results from a C to G substitution at nucleotide position 1448. The threonine at codon 483 is replaced by serine, an amino acid with similar properties. This amino acid position is conserved. In addition, this alteration is predicted to be tolerated by in silico analysis. Based on the available evidence, the clinical significance of this variant remains unclear.

Color Diagnostics, LLC DBA Color Health
Classification: Uncertain significance for Hereditary cancer-predisposing syndrome. Last evaluated: 2023-12-04. Review status: criteria provided, single submitter. Criteria: ACMG Guidelines, 2015. Collection method: clinical testing. Allele origin: germline.
Comment: This missense variant replaces threonine with serine at codon 483 of the BRIP1 protein. Computational prediction tools and conservation analyses are inconclusive regarding the impact of this variant on the protein function. Computational splicing tools suggest that this variant may not impact RNA splicing. To our knowledge, functional assays have not been performed for this variant nor has this variant been reported in individuals affected with hereditary cancer in the literature. This variant has not been identified in the general population by the Genome Aggregation Database (gnomAD). Available evidence is insufficient to determine the role of this variant in disease conclusively. Therefore, this variant is classified as a Variant of Uncertain Significance.

Labcorp Genetics (formerly Invitae), Labcorp
Classification: Uncertain significance for Familial cancer of breast; Fanconi anemia complementation group J. Last evaluated: 2021-03-13. Review status: criteria provided, single submitter. Criteria: Invitae Variant Classification Sherloc (09022015). Collection method: clinical testing. Allele origin: germline.
Comment: In summary, the available evidence is currently insufficient to determine the role of this variant in disease. Therefore, it has been classified as a Variant of Uncertain Significance. Algorithms developed to predict the effect of missense changes on protein structure and function are either unavailable or do not agree on the potential impact of this missense change (SIFT: "Tolerated"; PolyPhen-2: "Probably Damaging"; Align-GVGD: "Class C0"). This variant has not been reported in the literature in individuals with BRIP1-related conditions. ClinVar contains an entry for this variant (Variation ID: 918564). This variant is not present in population databases (ExAC no frequency). This sequence change replaces threonine with serine at codon 483 of the BRIP1 protein (p.Thr483Ser). The threonine residue is highly conserved and there is a small physicochemical difference between threonine and serine.